The following is an entry in ClinVar:

ClinVar aggregate classification (germline): Conflicting classifications of pathogenicity. Review status: criteria provided, conflicting classifications (1 of 4 stars). 4 submissions from 4 submitters: Uncertain significance (3); Likely benign (1). Last evaluated 2025-12-28.

Conditions:
Hereditary nonpolyposis colorectal neoplasms. Identifiers: MedGen C0009405, MeSH D003123.
Hereditary cancer-predisposing syndrome. Also called: Neoplastic Syndromes, Hereditary; Tumor predisposition; Hereditary Cancer Syndrome; Hereditary neoplastic syndrome. Identifiers: Orphanet 140162, MedGen C0027672, MeSH D009386, MONDO:0015356.

Allele frequency attached by ClinVar (database versions not stated): ExAC 0.00001; gnomAD exomes 0.00001.
gnomAD v4.1: 4 of 1,614,156 alleles (0.00025%); highest among the groups gnomAD compares: Admixed American, 0.0033%; no homozygotes.

Submissions (4):

Labcorp Genetics (formerly Invitae), Labcorp
Classification: Likely benign for Hereditary nonpolyposis colorectal neoplasms. Last evaluated: 2025-12-28. Review status: criteria provided, single submitter. Criteria: Invitae Variant Classification Sherloc (09022015). Collection method: clinical testing. Allele origin: germline.

Ambry Genetics
Classification: Uncertain significance for Hereditary cancer-predisposing syndrome. Last evaluated: 2025-07-14. Review status: criteria provided, single submitter. Criteria: Ambry Variant Classification Scheme 2023. Collection method: clinical testing. Allele origin: germline.
Comment: The p.S625F variant (also known as c.1874C>T), located in coding exon 4 of the MSH6 gene, results from a C to T substitution at nucleotide position 1874. The serine at codon 625 is replaced by phenylalanine, an amino acid with highly dissimilar properties. This amino acid position is well conserved in available vertebrate species. In addition, the in silico prediction for this alteration is inconclusive. Based on the available evidence, the clinical significance of this variant remains unclear.

Women's Health and Genetics/Laboratory Corporation of America, LabCorp
Classification: Uncertain significance. Last evaluated: 2024-03-29. Review status: criteria provided, single submitter. Criteria: LabCorp Variant Classification Summary - May 2015. Collection method: clinical testing. Allele origin: germline.
Comment: Variant summary: MSH6 c.1874C>T (p.Ser625Phe) results in a non-conservative amino acid change located in the DNA mismatch repair protein MutS, connector domain (IPR007860) of the encoded protein sequence. Four of five in-silico tools predict a damaging effect of the variant on protein function. The variant allele was found at a frequency of 8e-06 in 250342 control chromosomes. The available data on variant occurrences in the general population are insufficient to allow any conclusion about variant significance. To our knowledge, no occurrence of c.1874C>T in individuals affected with Lynch syndrome/Prostate and/or MSH6-associated tumor(s) and no experimental evidence demonstrating its impact on protein function have been reported. ClinVar contains an entry for this variant (Variation ID: 1781746). Based on the evidence outlined above, the variant was classified as uncertain significance.

Color Diagnostics, LLC DBA Color Health
Classification: Uncertain significance for Hereditary cancer-predisposing syndrome. Last evaluated: 2022-10-17. Review status: criteria provided, single submitter. Criteria: ACMG Guidelines, 2015. Collection method: clinical testing. Allele origin: germline.
Comment: This missense variant replaces serine with phenylalanine at codon 625 of the MSH6 protein. Computational prediction suggests that this variant may not impact protein structure and function (internally defined REVEL score threshold <= 0.5, PMID: 27666373). To our knowledge, functional studies have not been reported for this variant. This variant has not been reported in individuals affected with hereditary cancer in the literature. This variant has been identified in 2/250342 chromosomes in the general population by the Genome Aggregation Database (gnomAD). The available evidence is insufficient to determine the role of this variant in disease conclusively. Therefore, this variant is classified as a Variant of Uncertain Significance.

NM_000179.3(MSH6):c.1874C>T (p.Ser625Phe)

Gene: MSH6 (mutS homolog 6; plus strand). Cytogenetic location: 2p16.3.
Variant type: single nucleotide variant.
Coding change: c.1874C>T on transcript NM_000179.3 (MANE Select); coding-DNA position 1874, C replaced by T.
Protein change: p.Ser625Phe; replaces serine 625 with phenylalanine.
Molecular consequence: missense variant.
Genome position (GRCh38, 1-based): chr2:47,799,857, C>T. VCF-style: chr2-47799857-C-T. GRCh37 (hg19) VCF-style: chr2-48026996-C-T.
Other names: c.1484C>T, p.Ser495Phe (NM_001281492.2); c.968C>T, p.Ser323Phe (NM_001281493.2, NM_001281494.2, NM_001406811.1 and 6 more transcripts); c.1970C>T, p.Ser657Phe (NM_001406795.1, NM_001406802.1); c.1874C>T, p.Ser625Phe (NM_001406796.1, NM_001406798.1, NM_001406800.1 and 3 more transcripts); c.1577C>T, p.Ser526Phe (NM_001406797.1, NM_001406801.1, NM_001406805.1 and 10 more transcripts); c.1349C>T, p.Ser450Phe (NM_001406799.1, NM_001406806.1, NM_001406807.1); c.1796C>T, p.Ser599Phe (NM_001406804.1); c.1880C>T, p.Ser627Phe (NM_001406813.1); and 1 more; short protein forms S450F, S599F, S495F, S569F, S323F, S627F, S657F, S526F.
Identifiers: ClinVar variation 1781746 (VCV001781746.9), dbSNP rs773927995, ClinGen allele CA068231.